The following is an entry in ClinVar:

NM_001369268.1(ACAN):c.6412G>A (p.Glu2138Lys)

Gene: ACAN (aggrecan; plus strand). Cytogenetic location: 15q26.1.
Variant type: single nucleotide variant.
Coding change: c.6412G>A on transcript NM_001369268.1 (MANE Select); coding-DNA position 6412, G replaced by A.
Protein change: p.Glu2138Lys; replaces glutamic acid 2138 with lysine.
Molecular consequence: missense variant.
Genome position (GRCh38, 1-based): chr15:88,858,997, G>A. VCF-style: chr15-88858997-G-A. GRCh37 (hg19) VCF-style: chr15-89402228-G-A.
Other names: c.6412G>A, p.Glu2138Lys (NM_001135.4, NM_001411096.1, NM_001411097.1 and 1 more transcripts); short protein forms E2138K.
Identifiers: ClinVar variation 5039446 (VCV005039446.1).

ClinVar aggregate classification (germline): Likely benign (1 of 4 stars; one submission).

gnomAD v4.1: 199 of 1,613,940 alleles (0.012%); highest among the groups gnomAD compares: African/African-American, 0.14%; 1 homozygote.

Submission:

CeGaT Center for Human Genetics Tuebingen
Classification: Likely benign. Last evaluated: 2026-08-01. Review status: criteria provided, single submitter. Criteria: CeGaT Center For Human Genetics Tuebingen Variant Classification Criteria Version 2. Collection method: clinical testing. Allele origin: germline. Affected: yes. Observed: 1 variant allele.
Comment: ACAN: BP4, BS1